The following is an entry in ClinVar:

ClinVar aggregate classification (germline): Uncertain significance (1 of 4 stars; one submission).

Submission:

Labcorp Genetics (formerly Invitae), Labcorp
Classification: Uncertain significance. Last evaluated: 2023-12-02. Review status: criteria provided, single submitter. Criteria: Invitae Variant Classification Sherloc (09022015). Collection method: clinical testing. Allele origin: germline.
Comment: This sequence change replaces glycine, which is neutral and non-polar, with arginine, which is basic and polar, at codon 492 of the CSF1R protein (p.Gly492Arg). This variant is not present in population databases (gnomAD no frequency). This variant has not been reported in the literature in individuals affected with CSF1R-related conditions. Advanced modeling of protein sequence and biophysical properties (such as structural, functional, and spatial information, amino acid conservation, physicochemical variation, residue mobility, and thermodynamic stability) performed at Invitae indicates that this missense variant is not expected to disrupt CSF1R protein function with a negative predictive value of 95%. In summary, the available evidence is currently insufficient to determine the role of this variant in disease. Therefore, it has been classified as a Variant of Uncertain Significance.

NM_001288705.3(CSF1R):c.1474G>A (p.Gly492Arg)

Gene: CSF1R (colony stimulating factor 1 receptor; minus strand). Cytogenetic location: 5q32.
Variant type: single nucleotide variant.
Coding change: c.1474G>A on transcript NM_001288705.3 (MANE Select); coding-DNA position 1474, G replaced by A.
Protein change: p.Gly492Arg; replaces glycine 492 with arginine.
Molecular consequence: missense variant. On other transcripts: non-coding transcript variant (2).
Genome position (GRCh38, 1-based): chr5:150,069,909, C>T on the plus strand (G>A on the coding strand, the complement: CSF1R is on the minus strand). VCF-style: chr5-150069909-C-T. GRCh37 (hg19) VCF-style: chr5-149449472-C-T.
Other names: c.1474G>A, p.Gly492Arg (NM_001349736.2, NM_001375320.1, NM_005211.4); c.1030G>A, p.Gly344Arg (NM_001375321.1); short protein forms G344R, G492R.
Identifiers: ClinVar variation 2698983 (VCV002698983.3), dbSNP rs2113808062, ClinGen allele CA361719766.
Genomic context (GRCh38, chr5:150,069,909, plus strand): 5'-GCGGGTGCGAAGGCTCCCTCTCACCTGCAGAGATGGGTATGAAGGCCCAGGAGCCACTCC[C>T]CACGCTGTTGTGGGCCCTGCACTCGTAGGTTTGGTTGTGCTCTAAGGTCTCAACAGTCAG-3'
Protein context (NP_001275634.1, residues 482-502): TYECRAHNSV[Gly492Arg]SGSWAFIPIS